The following is an entry in ClinVar:

ClinVar aggregate classification (germline): Pathogenic (1 of 4 stars; one submission).

Submission:

Labcorp Genetics (formerly Invitae), Labcorp
Classification: Pathogenic. Last evaluated: 2023-05-27. Review status: criteria provided, single submitter. Criteria: Invitae Variant Classification Sherloc (09022015). Collection method: clinical testing. Allele origin: germline.
Comment: For these reasons, this variant has been classified as Pathogenic. This variant has not been reported in the literature in individuals affected with ABCC2-related conditions. This variant is not present in population databases (gnomAD no frequency). This sequence change creates a premature translational stop signal (p.Ser308Ilefs*26) in the ABCC2 gene. It is expected to result in an absent or disrupted protein product. Loss-of-function variants in ABCC2 are known to be pathogenic (PMID: 9185779, 16549534, 16952291).

Literature cited by the submitters: PubMed 9185779; PubMed 16549534; PubMed 16952291.

NM_000392.5(ABCC2):c.921dup (p.Ser308fs)

Gene: ABCC2 (ATP binding cassette subfamily C member 2; plus strand). Cytogenetic location: 10q24.2.
Variant type: Duplication.
Coding change: c.921dup on transcript NM_000392.5 (MANE Select); coding-DNA position 921, one base duplicated (A; older notation c.921dupA).
Protein change: p.Ser308fs; shifts the reading frame from serine 308.
Molecular consequence: frameshift variant.
Genome position (GRCh38, 1-based): chr10:99,799,260, A duplicated; the last of 4 consecutive A bases (chr10:99,799,257-99,799,260); duplicating any one gives the same sequence. VCF-style (leftmost placement, unchanged base first): chr10-99799256-C-CA. GRCh37 (hg19) VCF-style: chr10-101559013-C-CA.
Other names: short protein forms S308fs.
Identifiers: ClinVar variation 2735538 (VCV002735538.3), dbSNP rs2492867642, ClinGen allele CA2697558721.